The following is an entry in ClinVar:

NM_001014437.3(CARS1):c.1357C>T (p.Arg453Trp)

Gene: CARS1 (cysteinyl-tRNA synthetase 1; minus strand). Cytogenetic location: 11p15.4.
Variant type: single nucleotide variant.
Coding change: c.1357C>T on transcript NM_001014437.3 (MANE Select); coding-DNA position 1357, C replaced by T.
Protein change: p.Arg453Trp; replaces arginine 453 with tryptophan.
Molecular consequence: missense variant. On other transcripts: non-coding transcript variant (4).
Genome position (GRCh38, 1-based): chr11:3,019,177, G>A on the plus strand (C>T on the coding strand, the complement: CARS1 is on the minus strand). VCF-style: chr11-3019177-G-A. GRCh37 (hg19) VCF-style: chr11-3040407-G-A.
Other names: c.1357C>T, p.Arg453Trp (NM_001194997.2); c.1147C>T, p.Arg383Trp (NM_001378136.1); c.1078C>T, p.Arg360Trp (NM_001378137.1, NM_001378138.1, NM_001378139.1); c.832C>T, p.Arg278Trp (NM_001378140.1); c.1108C>T, p.Arg370Trp (NM_001751.6, NM_139273.4); short protein forms R278W, R360W, R370W, R383W, R453W.
Identifiers: ClinVar variation 1321870 (VCV001321870.3), dbSNP rs1198962798, ClinGen allele CA379153323.
Genomic context (GRCh38, chr11:3,019,177, plus strand): 5'-AGGGGACTCTGTTTTCACCTACCTCCGACTGTGCCAGCTCATTGTCATGGTGGGGGAACC[G>A]GAGGTCGAACCCACCTCCGTGAATGTCCATCGAAGCCCCTAGGAGGGTGCCTGCCATGGC-3'
Protein context (NP_001014437.1, residues 443-463): MDIHGGGFDL[Arg453Trp]FPHHDNELAQ

ClinVar aggregate classification (germline): Uncertain significance (1 of 4 stars; one submission).

Conditions:
Microcephaly, developmental delay, and brittle hair syndrome. Identifiers: MedGen C5394425, MONDO:0030047, OMIM 618891.

Allele frequency attached by ClinVar (database versions not stated): gnomAD exomes below 0.00001; gnomAD 0.00001.
gnomAD v4.1: 5 of 1,526,966 alleles (0.00033%); highest among the groups gnomAD compares: South Asian, 0.0013%; no homozygotes.

Submission:

Genetic Medico-Diagnostic Laboratory Genica
Classification: Uncertain significance for Microcephaly, developmental delay, and brittle hair syndrome. Last evaluated: 2021-10-21. Review status: criteria provided, single submitter. Criteria: ACMG Guidelines, 2015. Collection method: clinical testing. Allele origin: paternal. Affected: yes. Observed: 1 compound heterozygote. Segregation with disease observed.
Comment: The variant is described as a variant with uncertain significance according to the ACMG Guidelines, 2015. The variant was observed in compound heterozygosity with CARS1:c.1022G>A (NM_001751.6), which has previously been classified as pathogenic (PMID:30824121).